The following is an entry in ClinVar:

NM_001141917.2(SPATA31F1):c.1495A>G (p.Met499Val)

Genes: PHF24 (PHD finger protein 24; plus strand), SPATA31F1 (SPATA31 subfamily F member 1; minus strand). Cytogenetic location: 9p13.3.
Variant type: single nucleotide variant.
Coding change: c.1495A>G on transcript NM_001141917.2 (MANE Select); coding-DNA position 1495, A replaced by G.
Protein change: p.Met499Val; replaces methionine 499 with valine.
Molecular consequence: missense variant.
Genome position (GRCh38, 1-based): chr9:34,725,745, T>C on the plus strand (A>G on the coding strand, the complement: SPATA31F1 is on the minus strand). VCF-style: chr9-34725745-T-C. GRCh37 (hg19) VCF-style: chr9-34725742-T-C.
Other names: short protein forms M499V.
Identifiers: ClinVar variation 402844 (VCV000402844.5), dbSNP rs62547039, ClinGen allele CA5037370.

ClinVar aggregate classification (germline): Benign (1 of 4 stars; one submission).

Allele frequency attached by ClinVar (database versions not stated): TOPMed 0.62856; gnomAD 0.63698 and 0.64247; 1000 Genomes Project 30x 0.65162; 1000 Genomes Project 0.65535; gnomAD exomes 0.67373 and 0.68232; ExAC 0.71634.
gnomAD v4.1: 1,037,644 of 1,546,872 alleles (67%); highest among the groups gnomAD compares: South Asian, 79%; 346,853 homozygotes.

Submission:

Laboratory for Molecular Medicine, Mass General Brigham Personalized Medicine
Classification: Benign. Last evaluated: 2016-03-28. Review status: criteria provided, single submitter. Criteria: LMM Criteria. Collection method: clinical testing. Allele origin: germline.
Comment: Variant identified in a genome or exome case(s) and assessed due to predicted null impact of the variant or pathogenic assertions in the literature or databases. Disclaimer: This variant has not undergone full assessment. The following are preliminary notes: Frequency